The following is an entry in ClinVar:

ClinVar aggregate classification (germline): Conflicting classifications of pathogenicity. Review status: criteria provided, conflicting classifications (1 of 4 stars). 3 submissions from 3 submitters: Uncertain significance (1); Likely benign (2). Last evaluated 2026-01-13.

Allele frequency attached by ClinVar (database versions not stated): gnomAD exomes 0.00022 and 0.00006; ExAC 0.00005; gnomAD 0.00009; TOPMed 0.00009; ESP Exome Variant Server 0.00031.
gnomAD v4.1: 322 of 1,613,224 alleles (0.02%); highest among the groups gnomAD compares: Non-Finnish European, 0.026%; no homozygotes.

Submissions (3):

Labcorp Genetics (formerly Invitae), Labcorp
Classification: Likely benign. Last evaluated: 2026-01-13. Review status: criteria provided, single submitter. Criteria: Invitae Variant Classification Sherloc (09022015). Collection method: clinical testing. Allele origin: germline.

GeneDx
Classification: Likely benign. Last evaluated: 2019-09-05. Review status: criteria provided, single submitter. Criteria: GeneDx Variant Classification Process June 2021. Collection method: clinical testing. Allele origin: germline. Affected: yes.

Laboratory for Molecular Medicine, Mass General Brigham Personalized Medicine
Classification: Uncertain significance. Last evaluated: 2017-03-20. Review status: criteria provided, single submitter. Criteria: LMM Criteria. Collection method: clinical testing. Allele origin: germline. Observed: 3 variant alleles.
Comment: The c.1061-13A>G variant in ATP6V1B1 has been previously identified by our labor atory in 2 individuals with hearing loss, neither of whom had a second ATP6V1B1 variant. This variant has also been identified in 6/66660 European chromosomes b y the Exome Aggregation Consortium (ExAC; dbSNP rs200724195). Although this variant has been seen in the general population, its frequency is not high enough to rule out a pathogenic role. This variant is loc ated in the 3' splice region. Computational tools do not suggest an impact on sp licing. However, this information is not predictive enough to rule out pathogeni city. In summary, the clinical significance of the c.1061-13A>G variant is uncer tain.

NM_001692.4(ATP6V1B1):c.1061-13A>G

Gene: ATP6V1B1 (ATPase H+ transporting V1 subunit B1; plus strand). Cytogenetic location: 2p13.3.
Variant type: single nucleotide variant.
Coding change: c.1061-13A>G on transcript NM_001692.4 (MANE Select); 13 bases into the intron before coding-DNA position 1061, A replaced by G.
Molecular consequence: intron variant.
Genome position (GRCh38, 1-based): chr2:70,963,559, A>G. VCF-style: chr2-70963559-A-G. GRCh37 (hg19) VCF-style: chr2-71190689-A-G.
Identifiers: ClinVar variation 228443 (VCV000228443.9), dbSNP rs200724195, ClinGen allele CA1701248.